The following is an entry in ClinVar:

NM_000537.4(REN):c.1079dup (p.Leu361fs)

Gene: REN (renin; minus strand). Cytogenetic location: 1q32.1.
Variant type: Duplication.
Coding change: c.1079dup on transcript NM_000537.4 (MANE Select); coding-DNA position 1079, one base duplicated (A; older notation c.1079dupA).
Protein change: p.Leu361fs; shifts the reading frame from leucine 361.
Molecular consequence: frameshift variant.
Genome position (GRCh38, 1-based): chr1:204,155,158, T duplicated on the plus strand (A on the coding strand, the reverse complement: REN is on the minus strand); the first of 5 consecutive T bases (chr1:204,155,158-204,155,162); duplicating any one gives the same sequence. VCF-style (leftmost placement, unchanged base first): chr1-204155157-C-CT. GRCh37 (hg19) VCF-style: chr1-204124285-C-CT.
Other names: c.1079_1080insA (NM_000537.4); short protein forms L361fs.
Identifiers: ClinVar variation 3384161 (VCV003384161.2).

ClinVar aggregate classification (germline): Likely pathogenic (0 of 4 stars; one submission).

Conditions:
Familial juvenile hyperuricemic nephropathy type 2 (ADTKD4). Also called: Autosomal Dominant Tubulointerstitial Kidney Disease – REN; EARLY-ONSET HYPERURICEMIA, ANEMIA, AND PROGRESSIVE KIDNEY FAILURE. Identifiers: Orphanet 217330, MedGen C2751310, MONDO:0013128, OMIM 613092.

Submission:

Genetics laboratory, Institute of Kidney Diseases & Research Centre Dr. H.L. Trivedi Institute Of Transplantation Sciences
Classification: Likely pathogenic for Familial juvenile hyperuricemic nephropathy type 2. Last evaluated: 2024-06-14. Review status: no assertion criteria provided. Collection method: clinical testing. Allele origin: germline. Inheritance: Autosomal dominant inheritance. Affected: yes. Observed: 1 variant allele, 1 heterozygote.
Comment: A heterozygous frameshift insertion variant c.1079_1080insA in REN gene (chr1:204124285; Depth:139x) was detected. The variant results from insertion of one nucleotide at nucleotide position 1079th, causing a translational frameshift with a predicted alternate stop codon (p.Leu361AlafsTer34). This variant is not observed in Clinvar, 1000 genomes, topmed and gnomAD database. Based on the aforementioned evidence, the variant is classified as a likely pathogenic based on the ACMG-AMP classification system.